The following is an entry in ClinVar:

ClinVar aggregate classification (germline): Uncertain significance. Review status: criteria provided, multiple submitters, no conflicts (2 of 4 stars). 2 submissions from 2 submitters: Uncertain significance (2). Last evaluated 2024-11-04.

Conditions:
Cerebral cavernous malformation (CCM). Also called: Cerebral cavernous malformations; CAVERNOUS ANGIOMA, FAMILIAL; CAVERNOUS ANGIOMATOUS MALFORMATIONS; CEREBRAL CAPILLARY MALFORMATIONS; Cavernous Hemangioma of Brain; Cerebral cavernous hemangioma (type). Identifiers: Orphanet 221061, MedGen C2919945, MONDO:0000820, OMIM 116860, HP:0033522.

Allele frequency attached by ClinVar (database versions not stated): gnomAD 0.00003 and 0.00004; gnomAD exomes 0.00003 and 0.00004; TOPMed 0.00004; ExAC 0.00007.
gnomAD v4.1: 42 of 1,613,680 alleles (0.0026%); highest among the groups gnomAD compares: Middle Eastern, 0.016%; no homozygotes.

Submissions (2):

Labcorp Genetics (formerly Invitae), Labcorp
Classification: Uncertain significance for Cerebral cavernous malformation. Last evaluated: 2024-11-04. Review status: criteria provided, single submitter. Criteria: Invitae Variant Classification Sherloc (09022015). Collection method: clinical testing. Allele origin: germline.
Comment: This sequence change replaces lysine, which is basic and polar, with threonine, which is neutral and polar, at codon 479 of the KRIT1 protein (p.Lys479Thr). This variant is present in population databases (rs576080477, gnomAD 0.008%). This missense change has been observed in individuals with cerebral cavernous malformation (PMID: 15079030; internal data). ClinVar contains an entry for this variant (Variation ID: 983360). Invitae Evidence Modeling of protein sequence and biophysical properties (such as structural, functional, and spatial information, amino acid conservation, physicochemical variation, residue mobility, and thermodynamic stability) indicates that this missense variant is not expected to disrupt KRIT1 protein function with a negative predictive value of 80%. In summary, the available evidence is currently insufficient to determine the role of this variant in disease. Therefore, it has been classified as a Variant of Uncertain Significance.

New York Genome Center
Classification: Uncertain significance for Cerebral cavernous malformation. Last evaluated: 2020-01-31. Review status: criteria provided, single submitter. Criteria: NYGC Assertion Criteria 2020. Collection method: clinical testing. Allele origin: germline. Observed: 1 heterozygote. Study: CSER-NYCKidSeq.

Literature cited by the submitters: PubMed 15079030 (cited by Labcorp Genetics (formerly Invitae), Labcorp).

NM_194454.3(KRIT1):c.1436A>C (p.Lys479Thr)

Gene: KRIT1 (KRIT1 ankyrin repeat containing; minus strand). Cytogenetic location: 7q21.2.
Variant type: single nucleotide variant.
Coding change: c.1436A>C on transcript NM_194454.3 (MANE Select); coding-DNA position 1436, A replaced by C.
Protein change: p.Lys479Thr; replaces lysine 479 with threonine.
Molecular consequence: missense variant.
Genome position (GRCh38, 1-based): chr7:92,222,029, T>G on the plus strand (A>C on the coding strand, the complement: KRIT1 is on the minus strand). VCF-style: chr7-92222029-T-G. GRCh37 (hg19) VCF-style: chr7-91851343-T-G.
Other names: c.1292A>C, p.Lys431Thr (NM_001013406.2, NM_001350669.1, NM_001350670.1); c.722A>C, p.Lys241Thr (NM_001350671.1); c.1436A>C, p.Lys479Thr (NM_001350672.1, NM_001350673.1, NM_001350674.1 and 26 more transcripts); short protein forms K241T, K431T, K479T.
Identifiers: ClinVar variation 983360 (VCV000983360.4), dbSNP rs576080477, ClinGen allele CA4339104.
Genomic context (GRCh38, chr7:92,222,029, plus strand): 5'-GGATCCAGATTAGTCAATTCAGCAAGTATTTCTGGCCAGTCACGAACATGTTGCAAGGGT[T>G]TATGATATGGTTTGAGTTGAAGGCCTGAAAAACATCATTCCTTTTATAAATGATAATGTA-3'
Protein context (NP_919436.1, residues 469-489): NLSLQLKPYH[Lys479Thr]PLQHVRDWPE